The following is an entry in ClinVar:

ClinVar aggregate classification (germline): Uncertain significance. Review status: criteria provided, multiple submitters, no conflicts (2 of 4 stars). 2 submissions from 2 submitters: Uncertain significance (2). Last evaluated 2025-10-17.

Conditions:
UCP3-related disorder. Also called: UCP3-related condition.

gnomAD v4.1: 140 of 1,613,892 alleles (0.0087%); highest among the groups gnomAD compares: Middle Eastern, 0.15%; no homozygotes.

Submissions (2):

PreventionGenetics, part of Exact Sciences
Classification: Uncertain significance for UCP3-related condition. Last evaluated: 2025-10-17. Review status: criteria provided, single submitter. Criteria: ACMG Guidelines, 2015. Collection method: clinical testing. Allele origin: germline.
Comment: The UCP3 c.250G>A variant is predicted to result in the amino acid substitution p.Gly84Ser. This variant was not identified In a study of individuals with juvenile-onset obesity, however it was identified in two healthy subjects with BMIs of 23.5 kg/m2 and 25.5 kg/m2 (Urhammer et al. 1998. PubMed ID: 9498661). This variant is reported in 0.0086% of alleles in individuals of European (Non-Finnish) descent in gnomAD. At this time, the clinical significance of this variant is uncertain due to the absence of conclusive functional and genetic evidence.

Blueprint Genetics
Classification: Uncertain significance. Last evaluated: 2024-11-18. Review status: criteria provided, single submitter. Criteria: ACMG Guidelines, 2015. Collection method: clinical testing. Allele origin: germline.

NM_003356.4(UCP3):c.250G>A (p.Gly84Ser)

Gene: UCP3 (uncoupling protein 3; minus strand). Cytogenetic location: 11q13.4.
Variant type: single nucleotide variant.
Coding change: c.250G>A on transcript NM_003356.4 (MANE Select); coding-DNA position 250, G replaced by A.
Protein change: p.Gly84Ser; replaces glycine 84 with serine.
Molecular consequence: missense variant.
Genome position (GRCh38, 1-based): chr11:74,006,256, C>T on the plus strand (G>A on the coding strand, the complement: UCP3 is on the minus strand). VCF-style: chr11-74006256-C-T. GRCh37 (hg19) VCF-style: chr11-73717301-C-T.
Other names: c.250G>A, p.Gly84Ser (NM_022803.3); short protein forms G84S.
Identifiers: ClinVar variation 3352897 (VCV003352897.3).